The following is an entry in ClinVar:

ClinVar aggregate classification (germline): Pathogenic/Likely pathogenic. Review status: criteria provided, multiple submitters, no conflicts (2 of 4 stars). 4 submissions from 4 submitters: Pathogenic (1); Likely pathogenic (3). Last evaluated 2025-10-15.

Conditions:
Lysinuric protein intolerance (LPI). Identifiers: Orphanet 470, MedGen C0268647, MONDO:0009109, OMIM 222700.
SLC7A7-related disorder. Also called: SLC7A7-related condition.

Allele frequency attached by ClinVar (database versions not stated): gnomAD 0.00001; gnomAD exomes 0.00001 and 0.00003; TOPMed 0.00001.

Submissions (4):

Natera, Inc.
Classification: Likely pathogenic for Lysinuric protein intolerance. Last evaluated: 2025-10-15. Review status: criteria provided, single submitter. Criteria: Natera Variant Classification Schema (03/2026). Collection method: clinical testing. Allele origin: germline.
Comment: The c.1383_1384delCA variant in SLC7A7 is a frameshift variant predicted to shift the reading frame beginning at codon 461 and leads to a stop codon 6 codons downstream. This variant is expected to result in nonsense mediated decay, truncation, or a dysfunctional protein product. This variant is rare in the general population with a frequency below the threshold expected for the associated phenotype(s). Given the available evidence, this variant is classified as Likely Pathogenic.

Labcorp Genetics (formerly Invitae), Labcorp
Classification: Pathogenic for Lysinuric protein intolerance. Last evaluated: 2025-06-01. Review status: criteria provided, single submitter. Criteria: Invitae Variant Classification Sherloc (09022015). Collection method: clinical testing. Allele origin: germline.
Comment: This sequence change creates a premature translational stop signal (p.Ile461Metfs*6) in the SLC7A7 gene. While this is not anticipated to result in nonsense mediated decay, it is expected to disrupt the last 51 amino acid(s) of the SLC7A7 protein. This variant is present in population databases (no rsID available, gnomAD 0.002%). This variant has not been reported in the literature in individuals affected with SLC7A7-related conditions. ClinVar contains an entry for this variant (Variation ID: 859540). This variant disrupts a region of the SLC7A7 protein in which other variant(s) (p.Arg468*) have been determined to be pathogenic (PMID: 18716612). This suggests that this is a clinically significant region of the protein, and that variants that disrupt it are likely to be disease-causing. For these reasons, this variant has been classified as Pathogenic.

Fulgent Genetics
Classification: Likely pathogenic for Lysinuric protein intolerance. Last evaluated: 2024-02-27. Review status: criteria provided, single submitter. Criteria: ACMG Guidelines, 2015. Collection method: clinical testing. Allele origin: germline.

Blueprint Genetics
Classification: Likely pathogenic for SLC7A7-related disorders. Last evaluated: 2020-02-05. Review status: criteria provided, single submitter. Criteria: ACMG Guidelines, 2015. Collection method: clinical testing. Allele origin: germline. Affected: yes. Observed: 1 variant allele.

Literature cited by the submitters: PubMed 18716612 (cited by Labcorp Genetics (formerly Invitae), Labcorp).

NM_003982.4(SLC7A7):c.1383_1384del (p.Ile461fs)

Gene: SLC7A7 (solute carrier family 7 member 7; minus strand). Cytogenetic location: 14q11.2.
Variant type: Deletion.
Coding change: c.1383_1384del on transcript NM_003982.4 (MANE Select); coding-DNA positions 1383 to 1384, 2 bases deleted (CA; older notation c.1383_1384delCA).
Protein change: p.Ile461fs; shifts the reading frame from isoleucine 461.
Molecular consequence: frameshift variant.
Genome position (GRCh38, 1-based): chr14:22,773,978-22,773,979, TG deleted on the plus strand (CA on the coding strand, the reverse complement: SLC7A7 is on the minus strand). VCF-style (leftmost placement, unchanged base first): chr14-22773977-CTG-C. GRCh37 (hg19) VCF-style: chr14-23243186-CTG-C.
Other names: c.1383_1384del, p.Ile461fs (NM_001126105.3, NM_001126106.4); c.1383_1384delCA (NM_001126106.2); short protein forms I461fs.
Identifiers: ClinVar variation 859540 (VCV000859540.14), dbSNP rs1355745932, ClinGen allele CA613315511.